The following is an entry in ClinVar:

NM_001854.4(COL11A1):c.697T>C (p.Tyr233His)

Gene: COL11A1 (collagen type XI alpha 1 chain; minus strand). Cytogenetic location: 1p21.1.
Variant type: single nucleotide variant.
Coding change: c.697T>C on transcript NM_001854.4 (MANE Select); coding-DNA position 697, T replaced by C.
Protein change: p.Tyr233His; replaces tyrosine 233 with histidine.
Molecular consequence: missense variant. On other transcripts: non-coding transcript variant (1).
Genome position (GRCh38, 1-based): chr1:103,031,199, A>G on the plus strand (T>C on the coding strand, the complement: COL11A1 is on the minus strand). VCF-style: chr1-103031199-A-G. GRCh37 (hg19) VCF-style: chr1-103496755-A-G.
Other names: c.697T>C, p.Tyr233His (NM_001190709.2, NM_080629.3, NM_080630.4); short protein forms Y233H.
Identifiers: ClinVar variation 4072826 (VCV004072826.1).
Genomic context (GRCh38, chr1:103,031,199, plus strand): 5'-CTTGAGCAGCCTTGGGTGCTGAAGAGTCACAGTCTGGACTATAATGCTCACAGTAGTCAT[A>G]TGCTGCCTTGGGATCACCTGTGATCAAAAACTGCTGAATGTCCCCCTGGGAAAAAAAAAA-3'
Protein context (NP_001845.3, residues 223-243): FLITGDPKAA[Tyr233His]DYCEHYSPDC

ClinVar aggregate classification (germline): Uncertain significance (1 of 4 stars; one submission).

Submission:

GeneDx
Classification: Uncertain significance. Last evaluated: 2025-02-04. Review status: criteria provided, single submitter. Criteria: GeneDx Variant Classification Process June 2021. Collection method: clinical testing. Allele origin: germline. Affected: yes.
Comment: Not observed at significant frequency in large population cohorts (gnomAD); In silico analysis supports that this missense variant has a deleterious effect on protein structure/function; Has not been previously published as pathogenic or benign to our knowledge; This variant is associated with the following publications: (PMID: 25240749)